The following is an entry in ClinVar:

ClinVar aggregate classification (germline): Uncertain significance (1 of 4 stars; one submission).

Submission:

Women's Health and Genetics/Laboratory Corporation of America, LabCorp
Classification: Uncertain significance. Last evaluated: 2024-02-02. Review status: criteria provided, single submitter. Criteria: LabCorp Variant Classification Summary - May 2015. Collection method: clinical testing. Allele origin: germline.
Comment: Variant summary: The variant involves the deletion of exons 5-10 in the CHRNA7 gene. A presumed nomenclature of c.(350+1_351-1)_(*4561_?)del has been designated for the purposes of this classification. The exact breakpoint at the distal 3' end of this variant is unknown, therefore this deletion may extend downstream of the annotated region of the gene. As it encompasses the termination codon, it is predicted to escape nonsense mediated decay (NMD). The variant was absent in 120776 control chromosomes in the gnomAD database (Structural Variants v4.0 dataset). The available data on variant occurrences in the general population are insufficient to allow any conclusion about variant significance. To our knowledge, no occurrence of c.(350+1_351-1)_(*4561_?)del in individuals affected with CHRNA7-Related Disorders and no experimental evidence demonstrating its impact on protein function have been reported. No submitters have cited clinical-significance assessments for this variant to ClinVar. Based on the evidence outlined above, the variant was classified as uncertain significance.

NC_000015.9:g.(32404101_32446107)_(32465220_?)del

Gene: CHRNA7 (cholinergic receptor nicotinic alpha 7 subunit). Cytogenetic location: 15q13.3.
Variant type: Deletion.
Identifiers: ClinVar variation 3068903 (VCV003068903.1).